The following is an entry in ClinVar:

ClinVar aggregate classification (germline): Conflicting classifications of pathogenicity. Review status: criteria provided, conflicting classifications (1 of 4 stars). 2 submissions from 2 submitters: Uncertain significance (1); Likely benign (1). Last evaluated 2024-01-03.

Conditions:
Cardiovascular phenotype. Identifiers: MedGen CN230736.
Capillary malformation-arteriovenous malformation syndrome. Also called: Capillary malformation-arteriovenous malformation. Identifiers: Orphanet 137667, MedGen C1842180, MONDO:0012016.

Allele frequency attached by ClinVar (database versions not stated): gnomAD exomes below 0.00001 and 0.00001; ExAC 0.00001.
gnomAD v4.1: 2 of 1,614,220 alleles (0.00012%); highest among the groups gnomAD compares: Admixed American, 0.0033%; no homozygotes.

Submissions (2):

Ambry Genetics
Classification: Likely benign for Cardiovascular phenotype. Last evaluated: 2024-01-03. Review status: criteria provided, single submitter. Criteria: Ambry Variant Classification Scheme 2023. Collection method: clinical testing. Allele origin: germline.

Labcorp Genetics (formerly Invitae), Labcorp
Classification: Uncertain significance for Capillary malformation-arteriovenous malformation syndrome. Last evaluated: 2023-03-26. Review status: criteria provided, single submitter. Criteria: Invitae Variant Classification Sherloc (09022015). Collection method: clinical testing. Allele origin: germline.
Comment: This sequence change replaces alanine, which is neutral and non-polar, with threonine, which is neutral and polar, at codon 170 of the RASA1 protein (p.Ala170Thr). This variant is present in population databases (rs761820082, gnomAD 0.006%). This variant has not been reported in the literature in individuals affected with RASA1-related conditions. ClinVar contains an entry for this variant (Variation ID: 533447). An algorithm developed to predict the effect of missense changes on protein structure and function (PolyPhen-2) suggests that this variant is likely to be tolerated. In summary, the available evidence is currently insufficient to determine the role of this variant in disease. Therefore, it has been classified as a Variant of Uncertain Significance.

NM_002890.3(RASA1):c.508G>A (p.Ala170Thr)

Gene: RASA1 (RAS p21 protein activator 1; plus strand). Cytogenetic location: 5q14.3.
Variant type: single nucleotide variant.
Coding change: c.508G>A on transcript NM_002890.3 (MANE Select); coding-DNA position 508, G replaced by A.
Protein change: p.Ala170Thr; replaces alanine 170 with threonine.
Molecular consequence: missense variant. On other transcripts: 5 prime UTR variant (1).
Genome position (GRCh38, 1-based): chr5:87,268,959, G>A. VCF-style: chr5-87268959-G-A. GRCh37 (hg19) VCF-style: chr5-86564776-G-A.
Other names: c.-89G>A (NM_022650.3); short protein forms A170T.
Identifiers: ClinVar variation 533447 (VCV000533447.12), dbSNP rs761820082, ClinGen allele CA3335448.